The following is an entry in ClinVar:

ClinVar aggregate classification (germline): Uncertain significance (1 of 4 stars; one submission).

Conditions:
Sitosterolemia (STSL). Also called: PHYTOSTEROLEMIA. Identifiers: Orphanet 2882, MedGen C0342907, MONDO:0008863.

Submission:

Labcorp Genetics (formerly Invitae), Labcorp
Classification: Uncertain significance for Sitosterolemia. Last evaluated: 2025-08-16. Review status: criteria provided, single submitter. Criteria: Invitae Variant Classification Sherloc (09022015). Collection method: clinical testing. Allele origin: germline.
Comment: This sequence change replaces phenylalanine, which is neutral and non-polar, with serine, which is neutral and polar, at codon 474 of the ABCG5 protein (p.Phe474Ser). This variant is not present in population databases (gnomAD no frequency). This variant has not been reported in the literature in individuals affected with ABCG5-related conditions. An algorithm developed to predict the effect of missense changes on protein structure and function (PolyPhen-2) suggests that this variant is likely to be disruptive. In summary, the available evidence is currently insufficient to determine the role of this variant in disease. Therefore, it has been classified as a Variant of Uncertain Significance.

NM_022436.3(ABCG5):c.1421T>C (p.Phe474Ser)

Genes: ABCG5 (ATP binding cassette subfamily G member 5; minus strand), DYNC2LI1 (dynein cytoplasmic 2 light intermediate chain 1; plus strand). Cytogenetic location: 2p21.
Variant type: single nucleotide variant.
Coding change: c.1421T>C on transcript NM_022436.3 (MANE Select); coding-DNA position 1421, T replaced by C.
Protein change: p.Phe474Ser; replaces phenylalanine 474 with serine.
Molecular consequence: missense variant. On other transcripts: intron variant (2).
Genome position (GRCh38, 1-based): chr2:43,822,839, A>G on the plus strand (T>C on the coding strand, the complement: ABCG5 is on the minus strand). VCF-style: chr2-43822839-A-G. GRCh37 (hg19) VCF-style: chr2-44049978-A-G.
Other names: c.*16-4547A>G (NM_001348913.2, NM_001348912.2); short protein forms F474S.
Identifiers: ClinVar variation 4765656 (VCV004765656.1).
Genomic context (GRCh38, chr2:43,822,839, plus strand): 5'-AACTGAACAACCCCTCACCAGTAGCACACACTGCTGAAAATCATGGTGGCAACAACGCTG[A>G]AGGGGAGGACGTGCAGTGCATAGGCCAGCATCATCTGCCACTTCTGGTAGAGGCCGTCCT-3'
Protein context (NP_071881.1, residues 464-484): MLAYALHVLP[Phe474Ser]SVVATMIFSS